The following is an entry in ClinVar:

ClinVar aggregate classification (germline): Uncertain significance (1 of 4 stars; one submission).

Conditions:
Hereditary cancer-predisposing syndrome. Also called: Hereditary Cancer Syndrome; Tumor predisposition; Hereditary neoplastic syndrome; Neoplastic Syndromes, Hereditary. Identifiers: Orphanet 140162, MedGen C0027672, MeSH D009386, MONDO:0015356.

Submission:

Labcorp Genetics (formerly Invitae), Labcorp
Classification: Uncertain significance for Hereditary cancer-predisposing syndrome. Last evaluated: 2022-07-12. Review status: criteria provided, single submitter. Criteria: Invitae Variant Classification Sherloc (09022015). Collection method: clinical testing. Allele origin: germline.
Comment: In summary, the available evidence is currently insufficient to determine the role of this variant in disease. Therefore, it has been classified as a Variant of Uncertain Significance. Algorithms developed to predict the effect of missense changes on protein structure and function (SIFT, PolyPhen-2, Align-GVGD) all suggest that this variant is likely to be tolerated. ClinVar contains an entry for this variant (Variation ID: 1045953). This variant has not been reported in the literature in individuals affected with RAD50-related conditions. This variant is not present in population databases (gnomAD no frequency). This sequence change replaces asparagine, which is neutral and polar, with aspartic acid, which is acidic and polar, at codon 1181 of the RAD50 protein (p.Asn1181Asp).

NM_005732.4(RAD50):c.3541A>G (p.Asn1181Asp)

Genes: RAD50 (RAD50 double strand break repair protein; plus strand), TH2LCRR (T helper type 2 locus control region associated RNA; minus strand), TH2-LCR (Th2 cytokine locus control region; plus strand). Cytogenetic location: 5q31.1.
Variant type: single nucleotide variant.
Coding change: c.3541A>G on transcript NM_005732.4 (MANE Select); coding-DNA position 3541, A replaced by G.
Protein change: p.Asn1181Asp; replaces asparagine 1181 with aspartic acid.
Molecular consequence: missense variant. On other transcripts: non-coding transcript variant (2).
Genome position (GRCh38, 1-based): chr5:132,638,146, A>G. VCF-style: chr5-132638146-A-G. GRCh37 (hg19) VCF-style: chr5-131973838-A-G.
Other names: short protein forms N1181D.
Identifiers: ClinVar variation 1045953 (VCV001045953.9), dbSNP rs1751631951, ClinGen allele CA360931903.
Genomic context (GRCh38, chr5:132,638,146, plus strand): 5'-GAATACATAGAAATACGGTCTGATGCCGATGAAAATGTATCAGCTTCTGATAAAAGGCGG[A>G]ATTATAACTACCGAGTGGTGATGCTGAAGGGAGACACAGCCTTGGATATGCGAGGACGAT-3'
Protein context (NP_005723.2, residues 1171-1191): ENVSASDKRR[Asn1181Asp]YNYRVVMLKG